The following is an entry in ClinVar:

ClinVar aggregate classification (germline): Uncertain significance. Review status: criteria provided, multiple submitters, no conflicts (2 of 4 stars). 2 submissions from 2 submitters: Uncertain significance (2). Last evaluated 2025-06-07.

Conditions:
Inborn genetic diseases. Identifiers: MedGen C0950123, MeSH D030342.
Nephronophthisis 15 (NPHP15). Identifiers: Orphanet 3156, MedGen C3541853, MONDO:0013917, OMIM 614845.

Allele frequency attached by ClinVar (database versions not stated): ESP Exome Variant Server 0.00008.
gnomAD v4.1: 1 of 1,600,466 alleles (0.000062%); highest among the groups gnomAD compares: Admixed American, 0.0017%; no homozygotes.

Submissions (2):

Ambry Genetics
Classification: Uncertain significance for Inborn genetic diseases. Last evaluated: 2025-06-07. Review status: criteria provided, single submitter. Criteria: Ambry Variant Classification Scheme 2023. Collection method: clinical testing. Allele origin: germline.

Labcorp Genetics (formerly Invitae), Labcorp
Classification: Uncertain significance for Nephronophthisis 15. Last evaluated: 2024-11-14. Review status: criteria provided, single submitter. Criteria: Invitae Variant Classification Sherloc (09022015). Collection method: clinical testing. Allele origin: germline.
Comment: This sequence change replaces glutamic acid, which is acidic and polar, with lysine, which is basic and polar, at codon 1191 of the CEP164 protein (p.Glu1191Lys). The frequency data for this variant in the population databases is considered unreliable, as metrics indicate poor data quality at this position in the gnomAD database. This variant has not been reported in the literature in individuals affected with CEP164-related conditions. ClinVar contains an entry for this variant (Variation ID: 2201418). Invitae Evidence Modeling of protein sequence and biophysical properties (such as structural, functional, and spatial information, amino acid conservation, physicochemical variation, residue mobility, and thermodynamic stability) has been performed for this missense variant. However, the output from this modeling did not meet the statistical confidence thresholds required to predict the impact of this variant on CEP164 protein function. In summary, the available evidence is currently insufficient to determine the role of this variant in disease. Therefore, it has been classified as a Variant of Uncertain Significance.

NM_014956.5(CEP164):c.3571G>A (p.Glu1191Lys)

Gene: CEP164 (centrosomal protein 164; plus strand). Cytogenetic location: 11q23.3.
Variant type: single nucleotide variant.
Coding change: c.3571G>A on transcript NM_014956.5 (MANE Select); coding-DNA position 3571, G replaced by A.
Protein change: p.Glu1191Lys; replaces glutamic acid 1191 with lysine.
Molecular consequence: missense variant.
Genome position (GRCh38, 1-based): chr11:117,407,994, G>A. VCF-style: chr11-117407994-G-A. GRCh37 (hg19) VCF-style: chr11-117278710-G-A.
Other names: c.3580G>A, p.Glu1194Lys (NM_001271933.2); c.3571G>A (NM_014956.4); short protein forms E1194K, E1191K.
Identifiers: ClinVar variation 2201418 (VCV002201418.3), dbSNP rs141487284, ClinGen allele CA229373223.